The following is an entry in ClinVar:

ClinVar aggregate classification (germline): Uncertain significance (1 of 4 stars; one submission).

Submission:

Labcorp Genetics (formerly Invitae), Labcorp
Classification: Uncertain significance. Last evaluated: 2023-11-24. Review status: criteria provided, single submitter. Criteria: Invitae Variant Classification Sherloc (09022015). Collection method: clinical testing. Allele origin: germline.
Comment: This sequence change replaces valine, which is neutral and non-polar, with alanine, which is neutral and non-polar, at codon 1697 of the FN1 protein (p.Val1697Ala). This variant is not present in population databases (gnomAD no frequency). This variant has not been reported in the literature in individuals affected with FN1-related conditions. An algorithm developed to predict the effect of missense changes on protein structure and function (PolyPhen-2) suggests that this variant is likely to be disruptive. In summary, the available evidence is currently insufficient to determine the role of this variant in disease. Therefore, it has been classified as a Variant of Uncertain Significance.

NM_212482.4(FN1):c.5090T>C (p.Val1697Ala)

Gene: FN1 (fibronectin 1; minus strand). Cytogenetic location: 2q35.
Variant type: single nucleotide variant.
Coding change: c.5090T>C on transcript NM_212482.4 (MANE Select); coding-DNA position 5090, T replaced by C.
Protein change: p.Val1697Ala; replaces valine 1697 with alanine.
Molecular consequence: missense variant.
Genome position (GRCh38, 1-based): chr2:215,382,286, A>G on the plus strand (T>C on the coding strand, the complement: FN1 is on the minus strand). VCF-style: chr2-215382286-A-G. GRCh37 (hg19) VCF-style: chr2-216247009-A-G.
Other names: c.5090T>C, p.Val1697Ala (NM_001306129.2, NM_001306130.2, NM_001365517.2 and 3 more transcripts); c.4817T>C, p.Val1606Ala (NM_001306131.2, NM_001306132.2, NM_001365518.2 and 7 more transcripts); short protein forms V1606A, V1697A.
Identifiers: ClinVar variation 2798716 (VCV002798716.3), dbSNP rs2469551420, ClinGen allele CA350476556.